The following is an entry in ClinVar:

ClinVar aggregate classification (germline): Uncertain significance (1 of 4 stars; one submission).

Conditions:
Hereditary cancer-predisposing syndrome. Also called: Hereditary Cancer Syndrome; Hereditary neoplastic syndrome; Neoplastic Syndromes, Hereditary; Tumor predisposition. Identifiers: Orphanet 140162, MedGen C0027672, MeSH D009386, MONDO:0015356.

Submission:

Ambry Genetics
Classification: Uncertain significance for Hereditary cancer-predisposing syndrome. Last evaluated: 2022-07-17. Review status: criteria provided, single submitter. Criteria: Ambry Variant Classification Scheme 2023. Collection method: clinical testing. Allele origin: germline.
Comment: The p.S452I variant (also known as c.1355G>T), located in coding exon 5 of the BARD1 gene, results from a G to T substitution at nucleotide position 1355. The serine at codon 452 is replaced by isoleucine, an amino acid with dissimilar properties. This amino acid position is conserved. In addition, this alteration is predicted to be tolerated by in silico analysis. Since supporting evidence is limited at this time, the clinical significance of this alteration remains unclear.

NM_000465.4(BARD1):c.1355G>T (p.Ser452Ile)

Gene: BARD1 (BRCA1 associated RING domain 1; minus strand). Cytogenetic location: 2q35.
Variant type: single nucleotide variant.
Coding change: c.1355G>T on transcript NM_000465.4 (MANE Select); coding-DNA position 1355, G replaced by T.
Protein change: p.Ser452Ile; replaces serine 452 with isoleucine.
Molecular consequence: missense variant. On other transcripts: non-coding transcript variant (3), intron variant (3).
Genome position (GRCh38, 1-based): chr2:214,769,272, C>A on the plus strand (G>T on the coding strand, the complement: BARD1 is on the minus strand). VCF-style: chr2-214769272-C-A. GRCh37 (hg19) VCF-style: chr2-215633996-C-A.
Other names: c.1298G>T, p.Ser433Ile (NM_001282543.2); c.159-16717G>T (NM_001282548.2); c.216-16717G>T (NM_001282545.2); c.364+23025G>T (NM_001282549.2); short protein forms S452I, S433I.
Identifiers: ClinVar variation 1770691 (VCV001770691.2), dbSNP rs2106081288, ClinGen allele CA350450339.